The following is an entry in ClinVar:

NM_005422.4(TECTA):c.2969T>G (p.Phe990Cys)

Genes: TBCEL-TECTA (TBCEL-TECTA readthrough; plus strand), TECTA (tectorin alpha; plus strand). Cytogenetic location: 11q23.3.
Variant type: single nucleotide variant.
Coding change: c.2969T>G on transcript NM_005422.4 (MANE Select); coding-DNA position 2969, T replaced by G.
Protein change: p.Phe990Cys; replaces phenylalanine 990 with cysteine.
Molecular consequence: missense variant.
Genome position (GRCh38, 1-based): chr11:121,137,448, T>G. VCF-style: chr11-121137448-T-G. GRCh37 (hg19) VCF-style: chr11-121008157-T-G.
Other names: c.3926T>G, p.Phe1309Cys (NM_001378761.1); short protein forms F1309C, F990C.
Identifiers: ClinVar variation 5020962 (VCV005020962.1).

ClinVar aggregate classification (germline): Uncertain significance (1 of 4 stars; one submission).

gnomAD v4.1: 1 of 1,613,938 alleles (0.000062%); highest among the groups gnomAD compares: Non-Finnish European, 0.000085%; no homozygotes.

Submission:

Dasa
Classification: Uncertain significance. Last evaluated: 2025-04-30. Review status: criteria provided, single submitter. Criteria: DASA Assertion Criteria. Collection method: clinical testing. Allele origin: germline.
Comment: NM_005422.4(TECTA):c.2969T>G (p.Phe990Cys) is a missense variant that results in the substitution of phenylalanine with cysteine. This variant is rare in population databases. Computational prediction algorithms are consistent with a deleterious effect. The currently available literature and clinical evidence are not sufficient to establish a definitive association between this variant and the reported condition. Therefore, this variant is classified as a variant of uncertain significance.